The following is an entry in ClinVar:

ClinVar aggregate classification (germline): Pathogenic (1 of 4 stars; one submission).

Conditions:
Long QT syndrome (LQTS). Identifiers: MedGen C0023976, MeSH D008133, MONDO:0002442. Disease mechanism: loss of function. Inheritance: Various modes of inheritance.

Submissions (2):

Labcorp Genetics (formerly Invitae), Labcorp
Classification: Pathogenic for Long QT syndrome. Last evaluated: 2023-11-02. Review status: criteria provided, single submitter. Criteria: Invitae Variant Classification Sherloc (09022015). Collection method: clinical testing. Allele origin: germline.
Comment: This sequence change affects the initiator methionine of the KCNE1 mRNA. The next in-frame methionine is located at codon 27. This variant is not present in population databases (gnomAD no frequency). This variant has not been reported in the literature in individuals affected with KCNE1-related conditions. ClinVar contains an entry for this variant (Variation ID: 1065921). This variant disrupts a region of the KCNE1 protein in which other variant(s) (p.Thr7Ile) have been determined to be pathogenic (PMID: 9354783). This suggests that this is a clinically significant region of the protein, and that variants that disrupt it are likely to be disease-causing. For these reasons, this variant has been classified as Pathogenic.

Roden Lab, Vanderbilt University Medical Center
No classification provided (evidence only). Condition: Long QT syndrome 5. Review status: no classification provided. Collection method: in vitro. Allele origin: not applicable. Functional consequence: Effect on ion channel function. Not counted in ClinVar's aggregate classification.
ClinVar note: "not provided" was previously submitted as the classification for the variant. However, the classification appeared to be based only on an observation of functional data so it was converted to no classification on 2025-07-30.

Literature cited by the submitters: PubMed 9354783 (cited by Labcorp Genetics (formerly Invitae), Labcorp).

NM_000219.6(KCNE1):c.1A>T (p.Met1Leu)

Gene: KCNE1 (potassium voltage-gated channel subfamily E regulatory subunit 1; minus strand). Cytogenetic location: 21q22.12.
Variant type: single nucleotide variant.
Coding change: c.1A>T on transcript NM_000219.6 (MANE Select); coding-DNA position 1, A replaced by T.
Protein change: p.Met1Leu; changes the start codon (methionine 1).
Molecular consequence: missense variant, initiator codon variant.
Genome position (GRCh38, 1-based): chr21:34,449,634, T>A on the plus strand (A>T on the coding strand, the complement: KCNE1 is on the minus strand). VCF-style: chr21-34449634-T-A. GRCh37 (hg19) VCF-style: chr21-35821932-T-A.
Other names: c.1A>T, p.Met1Leu (NM_001127668.4, NM_001127669.4, NM_001127670.4 and 4 more transcripts); short protein forms M1L.
Identifiers: ClinVar variation 1065921 (VCV001065921.11), dbSNP rs2123460074, ClinGen allele CA410198669.